The following is an entry in ClinVar:

NM_182961.4(SYNE1):c.6811C>G (p.Pro2271Ala)

Genes: SYNE1 (spectrin repeat containing nuclear envelope protein 1; minus strand), SYNE1-AS2 (SYNE1 antisense RNA 2; plus strand). Cytogenetic location: 6q25.2.
Variant type: single nucleotide variant.
Coding change: c.6811C>G on transcript NM_182961.4 (MANE Select); coding-DNA position 6811, C replaced by G.
Protein change: p.Pro2271Ala; replaces proline 2271 with alanine.
Molecular consequence: missense variant.
Genome position (GRCh38, 1-based): chr6:152,404,227, G>C on the plus strand (C>G on the coding strand, the complement: SYNE1 is on the minus strand). VCF-style: chr6-152404227-G-C. GRCh37 (hg19) VCF-style: chr6-152725362-G-C.
Other names: c.6832C>G, p.Pro2278Ala (NM_033071.5); short protein forms P2271A, P2278A.
Identifiers: ClinVar variation 2416416 (VCV002416416.7), dbSNP rs749531053, ClinGen allele CA4057993.

ClinVar aggregate classification (germline): Uncertain significance. Review status: criteria provided, multiple submitters, no conflicts (2 of 4 stars). 2 submissions from 2 submitters: Uncertain significance (2). Last evaluated 2025-07-14.

Conditions:
Emery-Dreifuss muscular dystrophy 4, autosomal dominant (EDMD4). Also called: EMERY-DREIFUSS MUSCULAR DYSTROPHY 4 WITH VARIABLE FEATURES. Identifiers: Orphanet 261, MedGen C2751807, MONDO:0013071, OMIM 612998.
Autosomal recessive ataxia, Beauce type. Also called: ATAXIA, RECESSIVE, OF BEAUCE; SYNE1 Deficiency; Spinocerebellar ataxia, autosomal recessive 8; SYNE1-Related Autosomal Recessive Cerebellar Ataxia. Identifiers: Orphanet 88644, MedGen C1853116, MONDO:0012549, OMIM 610743.

Allele frequency attached by ClinVar (database versions not stated): gnomAD 0.00001; gnomAD exomes 0.00001; ExAC 0.00002; TOPMed 0.00002.
gnomAD v4.1: 10 of 1,612,468 alleles (0.00062%); highest among the groups gnomAD compares: Non-Finnish European, 0.00085%; no homozygotes.

Submissions (2):

Labcorp Genetics (formerly Invitae), Labcorp
Classification: Uncertain significance for Emery-Dreifuss muscular dystrophy 4, autosomal dominant; Autosomal recessive ataxia, Beauce type. Last evaluated: 2025-07-14. Review status: criteria provided, single submitter. Criteria: Invitae Variant Classification Sherloc (09022015). Collection method: clinical testing. Allele origin: germline.
Comment: This sequence change replaces proline, which is neutral and non-polar, with alanine, which is neutral and non-polar, at codon 2278 of the SYNE1 protein (p.Pro2278Ala). This variant is present in population databases (rs749531053, gnomAD 0.002%). This variant has not been reported in the literature in individuals affected with SYNE1-related conditions. ClinVar contains an entry for this variant (Variation ID: 2416416). An algorithm developed to predict the effect of missense changes on protein structure and function (PolyPhen-2) suggests that this variant is likely to be disruptive. In summary, the available evidence is currently insufficient to determine the role of this variant in disease. Therefore, it has been classified as a Variant of Uncertain Significance.

Blueprint Genetics
Classification: Uncertain significance. Last evaluated: 2022-07-15. Review status: criteria provided, single submitter. Criteria: ACMG Guidelines, 2015. Collection method: clinical testing. Allele origin: germline.